The following is an entry in ClinVar:

NM_001394062.1(MACF1):c.18948+1G>A

Gene: MACF1 (microtubule actin crosslinking factor 1; plus strand). Cytogenetic location: 1p34.3.
Variant type: single nucleotide variant.
Coding change: c.18948+1G>A on transcript NM_001394062.1 (MANE Select); the canonical splice donor site of the intron after coding-DNA position 18948, G replaced by A.
Molecular consequence: splice donor variant.
Genome position (GRCh38, 1-based): chr1:39,442,321, G>A. VCF-style: chr1-39442321-G-A. GRCh37 (hg19) VCF-style: chr1-39907993-G-A.
Other names: c.12771+1G>A (NM_012090.5); c.7026+1G>A (NM_001397473.1).
Identifiers: ClinVar variation 1710401 (VCV001710401.3), dbSNP rs2523174690, ClinGen allele CA339812923.

ClinVar aggregate classification (germline): Uncertain significance (1 of 4 stars; one submission).

Submission:

Greenwood Genetic Center Diagnostic Laboratories, Greenwood Genetic Center
Classification: Uncertain significance. Last evaluated: 2022-09-15. Review status: criteria provided, single submitter. Criteria: ACMG Guidelines, 2015. Collection method: clinical testing. Allele origin: germline. Affected: yes.
Comment: Gene of Uncertain Significance (LOF not established mechanism)